The following is an entry in ClinVar:

NM_004937.3(CTNS):c.914A>G (p.Asp305Gly)

Gene: CTNS (cystinosin, lysosomal cystine transporter; plus strand). Cytogenetic location: 17p13.2.
Variant type: single nucleotide variant.
Coding change: c.914A>G on transcript NM_004937.3 (MANE Select); coding-DNA position 914, A replaced by G.
Protein change: p.Asp305Gly; replaces aspartic acid 305 with glycine.
Molecular consequence: missense variant.
Genome position (GRCh38, 1-based): chr17:3,659,919, A>G. VCF-style: chr17-3659919-A-G. GRCh37 (hg19) VCF-style: chr17-3563213-A-G.
Other names: c.914A>G, p.Asp305Gly (NM_001031681.3, NM_001374492.1); c.473A>G, p.Asp158Gly (NM_001374493.1, NM_001374494.1, NM_001374495.1 and 1 more transcripts); short protein forms D305G, D158G.
Identifiers: ClinVar variation 549927 (VCV000549927.10), dbSNP rs1263951539, ClinGen allele CA397693160.

ClinVar aggregate classification (germline): Uncertain significance. Review status: criteria provided, single submitter (1 of 4 stars). 2 submissions from 2 submitters: Uncertain significance (1). 1 of the submissions does not count toward it. Last evaluated 2024-11-11.

Conditions:
Juvenile nephropathic cystinosis. Also called: Intermediate Cystinosis; Later-Onset (Juvenile) Cystinosis; CYSTINOSIS, LATE-ONSET JUVENILE OR ADOLESCENT NEPHROPATHIC TYPE. Identifiers: Orphanet 213, Orphanet 411634, MedGen C0268626, MONDO:0009066, OMIM 219900.
Inborn genetic diseases. Identifiers: MedGen C0950123, MeSH D030342.
Ocular cystinosis. Also called: Non-Nephropathic Cystinosis; Non-Nephropathic (Ocular) Cystinosis. Identifiers: Orphanet 213, Orphanet 411641, MedGen C2931013, MONDO:0009064, OMIM 219750.
Nephropathic cystinosis (CTNS). Also called: CYSTINOSIN, DEFECT OF; LYSOSOMAL CYSTINE TRANSPORT PROTEIN, DEFECT OF; Abderhalden Lignac Kaufmann disease; Abderhalden-Kaufmann-Lignac syndrome. Identifiers: Orphanet 213, Orphanet 411629, MedGen C2931187, MONDO:0100151, OMIM 219800.

Submissions (2):

Labcorp Genetics (formerly Invitae), Labcorp
Classification: Uncertain significance for Inborn genetic diseases; Ocular cystinosis; Juvenile nephropathic cystinosis. Last evaluated: 2024-11-11. Review status: criteria provided, single submitter. Criteria: Invitae Variant Classification Sherloc (09022015). Collection method: clinical testing. Allele origin: germline.
Comment: This sequence change replaces aspartic acid, which is acidic and polar, with glycine, which is neutral and non-polar, at codon 305 of the CTNS protein (p.Asp305Gly). This variant is not present in population databases (gnomAD no frequency). This missense change has been observed in individual(s) with clinical features of cystinosis (PMID: 9792862). ClinVar contains an entry for this variant (Variation ID: 549927). Invitae Evidence Modeling of protein sequence and biophysical properties (such as structural, functional, and spatial information, amino acid conservation, physicochemical variation, residue mobility, and thermodynamic stability) indicates that this missense variant is expected to disrupt CTNS protein function with a positive predictive value of 80%. In summary, the available evidence is currently insufficient to determine the role of this variant in disease. Therefore, it has been classified as a Variant of Uncertain Significance.

Counsyl
Classification: Uncertain significance for Nephropathic cystinosis. Last evaluated: 2017-05-02. Review status: no assertion criteria provided. Collection method: clinical testing. Allele origin: unknown. Not counted in ClinVar's aggregate classification.

Literature cited by the submitters: PubMed 9792862 (cited by Labcorp Genetics (formerly Invitae), Labcorp and Counsyl).